The following is an entry in ClinVar:

NM_014141.6(CNTNAP2):c.1040T>A (p.Ile347Asn)

Gene: CNTNAP2 (contactin associated protein 2; plus strand). Cytogenetic location: 7q35.
Variant type: single nucleotide variant.
Coding change: c.1040T>A on transcript NM_014141.6 (MANE Select); coding-DNA position 1040, T replaced by A.
Protein change: p.Ile347Asn; replaces isoleucine 347 with asparagine.
Molecular consequence: missense variant.
Genome position (GRCh38, 1-based): chr7:147,128,793, T>A. VCF-style: chr7-147128793-T-A. GRCh37 (hg19) VCF-style: chr7-146825885-T-A.
Other names: short protein forms I347N.
Identifiers: ClinVar variation 1774040 (VCV001774040.6), dbSNP rs1801291440, ClinGen allele CA369924345.

ClinVar aggregate classification (germline): Uncertain significance. Review status: criteria provided, multiple submitters, no conflicts (2 of 4 stars). 3 submissions from 3 submitters: Uncertain significance (3). Last evaluated 2023-06-13.

Conditions:
Inborn genetic diseases. Identifiers: MedGen C0950123, MeSH D030342.
Cortical dysplasia-focal epilepsy syndrome (PTHSL1). Also called: Pitt-Hopkins-like syndrome 1. Identifiers: Orphanet 163681, Orphanet 221150, MedGen C2750246, MONDO:0012400, OMIM 610042.

Allele frequency attached by ClinVar (database versions not stated): gnomAD 0.00001; TOPMed 0.00001.
gnomAD v4.1: 17 of 1,613,954 alleles (0.0011%); highest among the groups gnomAD compares: Non-Finnish European, 0.0014%; no homozygotes.

Submissions (3):

GeneDx
Classification: Uncertain significance. Last evaluated: 2023-06-13. Review status: criteria provided, single submitter. Criteria: GeneDx Variant Classification Process June 2021. Collection method: clinical testing. Allele origin: germline. Affected: yes.
Comment: Not observed at significant frequency in large population cohorts (gnomAD); In silico analysis supports that this missense variant has a deleterious effect on protein structure/function; Has not been previously published as pathogenic or benign to our knowledge

Labcorp Genetics (formerly Invitae), Labcorp
Classification: Uncertain significance for Cortical dysplasia-focal epilepsy syndrome. Last evaluated: 2022-07-19. Review status: criteria provided, single submitter. Criteria: Invitae Variant Classification Sherloc (09022015). Collection method: clinical testing. Allele origin: germline.
Comment: This sequence change replaces isoleucine, which is neutral and non-polar, with asparagine, which is neutral and polar, at codon 347 of the CNTNAP2 protein (p.Ile347Asn). In summary, the available evidence is currently insufficient to determine the role of this variant in disease. Therefore, it has been classified as a Variant of Uncertain Significance. Algorithms developed to predict the effect of missense changes on protein structure and function are either unavailable or do not agree on the potential impact of this missense change (SIFT: "Deleterious"; PolyPhen-2: "Probably Damaging"; Align-GVGD: "Class C0"). This variant has not been reported in the literature in individuals affected with CNTNAP2-related conditions. This variant is not present in population databases (gnomAD no frequency).

Ambry Genetics
Classification: Uncertain significance for Inborn genetic diseases. Last evaluated: 2018-01-19. Review status: criteria provided, single submitter. Criteria: Ambry Variant Classification Scheme 2023. Collection method: clinical testing. Allele origin: germline.
Comment: The p.I347N variant (also known as c.1040T>A), located in coding exon 7 of the CNTNAP2 gene, results from a T to A substitution at nucleotide position 1040. The isoleucine at codon 347 is replaced by asparagine, an amino acid with dissimilar properties. This amino acid position is highly conserved in available vertebrate species. In addition, this alteration is predicted to be deleterious by in silico analysis. Since supporting evidence is limited at this time, the clinical significance of this alteration remains unclear.